The following is an entry in ClinVar:

ClinVar aggregate classification (germline): Benign (1 of 4 stars; one submission).

Allele frequency attached by ClinVar (database versions not stated): TOPMed 0.07525; 1000 Genomes Project 0.07768; 1000 Genomes Project 30x 0.07870; gnomAD 0.08737 and 0.08867.
gnomAD v4.1: 13,470 of 152,204 alleles (8.8%); highest among the groups gnomAD compares: Non-Finnish European, 12%; 783 homozygotes.

Submission:

GeneDx
Classification: Benign. Last evaluated: 2018-06-14. Review status: criteria provided, single submitter. Criteria: GeneDx Variant Classification (06012015). Collection method: clinical testing. Allele origin: germline. Affected: yes.
Comment: This variant is considered likely benign or benign based on one or more of the following criteria: it is a conservative change, it occurs at a poorly conserved position in the protein, it is predicted to be benign by multiple in silico algorithms, and/or has population frequency not consistent with disease.

NM_001377.3(DYNC2H1):c.10461+248A>T

Gene: DYNC2H1 (dynein cytoplasmic 2 heavy chain 1; plus strand). Cytogenetic location: 11q22.3.
Variant type: single nucleotide variant.
Coding change: c.10461+248A>T on transcript NM_001377.3 (MANE Select); 248 bases into the intron after coding-DNA position 10461, A replaced by T.
Molecular consequence: intron variant.
Genome position (GRCh38, 1-based): chr11:103,256,488, A>T. VCF-style: chr11-103256488-A-T. GRCh37 (hg19) VCF-style: chr11-103127217-A-T.
Other names: c.10482+248A>T (NM_001080463.2).
Identifiers: ClinVar variation 669920 (VCV000669920.1), dbSNP rs17304215, ClinGen allele CA13394881.